The following is an entry in ClinVar:

NM_001171.6(ABCC6):c.1990C>A (p.Pro664Thr)

Gene: ABCC6 (ATP binding cassette subfamily C member 6; minus strand). Cytogenetic location: 16p13.11.
Variant type: single nucleotide variant.
Coding change: c.1990C>A on transcript NM_001171.6 (MANE Select); coding-DNA position 1990, C replaced by A.
Protein change: p.Pro664Thr; replaces proline 664 with threonine.
Molecular consequence: missense variant. On other transcripts: non-coding transcript variant (1).
Genome position (GRCh38, 1-based): chr16:16,182,884, G>T on the plus strand (C>A on the coding strand, the complement: ABCC6 is on the minus strand). VCF-style: chr16-16182884-G-T. GRCh37 (hg19) VCF-style: chr16-16276741-G-T.
Other names: c.1648C>A, p.Pro550Thr (NM_001351800.1); short protein forms P550T, P664T.
Identifiers: ClinVar variation 1370577 (VCV001370577.6), dbSNP rs59002125, ClinGen allele CA394888759.

ClinVar aggregate classification (germline): Uncertain significance (1 of 4 stars; one submission).

Submission:

Labcorp Genetics (formerly Invitae), Labcorp
Classification: Uncertain significance. Last evaluated: 2021-07-28. Review status: criteria provided, single submitter. Criteria: Invitae Variant Classification Sherloc (09022015). Collection method: clinical testing. Allele origin: germline.
Comment: In summary, the available evidence is currently insufficient to determine the role of this variant in disease. Therefore, it has been classified as a Variant of Uncertain Significance. Advanced modeling of protein sequence and biophysical properties (such as structural, functional, and spatial information, amino acid conservation, physicochemical variation, residue mobility, and thermodynamic stability) performed at Invitae indicates that this missense variant is not expected to disrupt ABCC6 protein function. This variant has not been reported in the literature in individuals affected with ABCC6-related conditions. This variant is not present in population databases (ExAC no frequency). This sequence change replaces proline with threonine at codon 664 of the ABCC6 protein (p.Pro664Thr). The proline residue is weakly conserved and there is a small physicochemical difference between proline and threonine.